The following is an entry in ClinVar:

NM_000478.6(ALPL):c.*305C>T

Gene: ALPL (alkaline phosphatase, biomineralization associated; plus strand). Cytogenetic location: 1p36.12.
Variant type: single nucleotide variant.
Coding change: c.*305C>T on transcript NM_000478.6 (MANE Select); 305 bases downstream of the stop codon, C replaced by T.
Molecular consequence: 3 prime UTR variant.
Genome position (GRCh38, 1-based): chr1:21,577,953, C>T. VCF-style: chr1-21577953-C-T. GRCh37 (hg19) VCF-style: chr1-21904446-C-T.
Other names: c.*305C>T (NM_001127501.4, NM_001177520.3, NM_001369803.2 and 2 more transcripts).
Identifiers: ClinVar variation 295564 (VCV000295564.6), dbSNP rs76073898, ClinGen allele CA10609827.

ClinVar aggregate classification (germline): Benign. Review status: criteria provided, multiple submitters, no conflicts (2 of 4 stars). 2 submissions from 2 submitters: Benign (2). Last evaluated 2018-09-11.

Conditions:
Hypophosphatasia. Also called: Phosphoethanol-aminuria. Identifiers: Orphanet 436, MedGen C0020630, MeSH D007014, MONDO:0018570.

Allele frequency attached by ClinVar (database versions not stated): gnomAD exomes 0.00307; gnomAD 0.02522 and 0.02707; 1000 Genomes Project 0.02556; 1000 Genomes Project 30x 0.02748; TOPMed 0.02818.
gnomAD v4.1: 5,028 of 520,796 alleles (0.97%); highest among the groups gnomAD compares: African/African-American, 8.6%; 185 homozygotes.

Submissions (2):

GeneDx
Classification: Benign. Last evaluated: 2018-09-11. Review status: criteria provided, single submitter. Criteria: GeneDx Variant Classification Process June 2021. Collection method: clinical testing. Allele origin: germline. Affected: yes.

Illumina Laboratory Services, Illumina
Classification: Benign for Hypophosphatasia. Last evaluated: 2018-01-12. Review status: criteria provided, single submitter. Criteria: ICSL Variant Classification Criteria 13 December 2019. Collection method: clinical testing. Allele origin: germline.
Comment: This variant was observed in the ICSL laboratory as part of a predisposition screen in an ostensibly healthy population. It had not been previously curated by ICSL or reported in the Human Gene Mutation Database (HGMD: prior to June 1st, 2018), and was therefore a candidate for classification through an automated scoring system. Utilizing variant allele frequency, disease prevalence and penetrance estimates, and inheritance mode, an automated score was calculated to assess if this variant is too frequent to cause the disease. Based on the score and internal cut-off values, a variant classified as benign is not then subjected to further curation. The score for this variant resulted in a classification of benign for this disease.